The following is an entry in ClinVar:

NM_032608.7(MYO18B):c.6139C>T (p.Arg2047Trp)

Gene: MYO18B (myosin XVIIIB; plus strand). Cytogenetic location: 22q12.1.
Variant type: single nucleotide variant.
Coding change: c.6139C>T on transcript NM_032608.7 (MANE Select); coding-DNA position 6139, C replaced by T.
Protein change: p.Arg2047Trp; replaces arginine 2047 with tryptophan.
Molecular consequence: missense variant.
Genome position (GRCh38, 1-based): chr22:25,955,347, C>T. VCF-style: chr22-25955347-C-T. GRCh37 (hg19) VCF-style: chr22-26351313-C-T.
Other names: c.6142C>T, p.Arg2048Trp (NM_001318245.2); short protein forms R2048W, R2047W.
Identifiers: ClinVar variation 1492115 (VCV001492115.6), dbSNP rs1443880267, ClinGen allele CA411009502.

ClinVar aggregate classification (germline): Uncertain significance (1 of 4 stars; one submission).

Allele frequency attached by ClinVar (database versions not stated): TOPMed 0.00001; gnomAD 0.00002.
gnomAD v4.1: 9 of 1,613,078 alleles (0.00056%); highest among the groups gnomAD compares: East Asian, 0.0022%; no homozygotes.

Submission:

Labcorp Genetics (formerly Invitae), Labcorp
Classification: Uncertain significance. Last evaluated: 2024-10-15. Review status: criteria provided, single submitter. Criteria: Invitae Variant Classification Sherloc (09022015). Collection method: clinical testing. Allele origin: germline.
Comment: This sequence change replaces arginine, which is basic and polar, with tryptophan, which is neutral and slightly polar, at codon 2047 of the MYO18B protein (p.Arg2047Trp). This variant is present in population databases (no rsID available, gnomAD 0.007%). This variant has not been reported in the literature in individuals affected with MYO18B-related conditions. ClinVar contains an entry for this variant (Variation ID: 1492115). An algorithm developed to predict the effect of missense changes on protein structure and function (PolyPhen-2) suggests that this variant is likely to be disruptive. In summary, the available evidence is currently insufficient to determine the role of this variant in disease. Therefore, it has been classified as a Variant of Uncertain Significance.